The following is an entry in ClinVar:

NM_002941.4(ROBO1):c.4601T>C (p.Val1534Ala)

Gene: ROBO1 (roundabout guidance receptor 1; minus strand). Cytogenetic location: 3p12.3.
Variant type: single nucleotide variant.
Coding change: c.4601T>C on transcript NM_002941.4 (MANE Select); coding-DNA position 4601, T replaced by C.
Protein change: p.Val1534Ala; replaces valine 1534 with alanine.
Molecular consequence: missense variant.
Genome position (GRCh38, 1-based): chr3:78,606,876, A>G on the plus strand (T>C on the coding strand, the complement: ROBO1 is on the minus strand). VCF-style: chr3-78606876-A-G. GRCh37 (hg19) VCF-style: chr3-78656026-A-G.
Other names: c.4466T>C, p.Val1489Ala (NM_001145844.1, NM_133631.4); c.4301T>C, p.Val1434Ala (NM_001145845.2); short protein forms V1534A, V1434A, V1489A.
Identifiers: ClinVar variation 1932559 (VCV001932559.5), dbSNP rs779835303, ClinGen allele CA2498018.

ClinVar aggregate classification (germline): Uncertain significance (1 of 4 stars; one submission).

Allele frequency attached by ClinVar (database versions not stated): ExAC 0.00001; gnomAD exomes 0.00001; TOPMed 0.00002; gnomAD 0.00003.
gnomAD v4.1: 8 of 1,613,400 alleles (0.0005%); highest among the groups gnomAD compares: Non-Finnish European, 0.00068%; no homozygotes.

Submission:

Labcorp Genetics (formerly Invitae), Labcorp
Classification: Uncertain significance. Last evaluated: 2024-12-10. Review status: criteria provided, single submitter. Criteria: Invitae Variant Classification Sherloc (09022015). Collection method: clinical testing. Allele origin: germline.
Comment: This sequence change replaces valine, which is neutral and non-polar, with alanine, which is neutral and non-polar, at codon 1534 of the ROBO1 protein (p.Val1534Ala). This variant is present in population databases (rs779835303, gnomAD 0.002%). This variant has not been reported in the literature in individuals affected with ROBO1-related conditions. ClinVar contains an entry for this variant (Variation ID: 1932559). Invitae Evidence Modeling of protein sequence and biophysical properties (such as structural, functional, and spatial information, amino acid conservation, physicochemical variation, residue mobility, and thermodynamic stability) indicates that this missense variant is not expected to disrupt ROBO1 protein function with a negative predictive value of 95%. In summary, the available evidence is currently insufficient to determine the role of this variant in disease. Therefore, it has been classified as a Variant of Uncertain Significance.